The following is an entry in ClinVar:

NM_018418.5(SPATA7):c.47A>G (p.Tyr16Cys)

Gene: SPATA7 (spermatogenesis associated 7; plus strand). Cytogenetic location: 14q31.3.
Variant type: single nucleotide variant.
Coding change: c.47A>G on transcript NM_018418.5 (MANE Select); coding-DNA position 47, A replaced by G.
Protein change: p.Tyr16Cys; replaces tyrosine 16 with cysteine.
Molecular consequence: missense variant.
Genome position (GRCh38, 1-based): chr14:88,391,408, A>G. VCF-style: chr14-88391408-A-G. GRCh37 (hg19) VCF-style: chr14-88857752-A-G.
Other names: c.47A>G, p.Tyr16Cys (NM_001040428.4); short protein forms Y16C.
Identifiers: ClinVar variation 1934802 (VCV001934802.5), dbSNP rs761717545, ClinGen allele CA7298356.

ClinVar aggregate classification (germline): Uncertain significance (1 of 4 stars; one submission).

Conditions:
Leber congenital amaurosis 3 (LCA3). Also called: SPATA7-Related Retinitis Pigmentosa. Identifiers: MedGen C1858677, MONDO:0011415, OMIM 604232.

Allele frequency attached by ClinVar (database versions not stated): TOPMed below 0.00001; ExAC 0.00001; gnomAD 0.00001; gnomAD exomes 0.00001.
gnomAD v4.1: 17 of 1,613,424 alleles (0.0011%); highest among the groups gnomAD compares: Middle Eastern, 0.017%; no homozygotes.

Submission:

Labcorp Genetics (formerly Invitae), Labcorp
Classification: Uncertain significance for Leber congenital amaurosis 3. Last evaluated: 2023-09-25. Review status: criteria provided, single submitter. Criteria: Invitae Variant Classification Sherloc (09022015). Collection method: clinical testing. Allele origin: germline.
Comment: This variant has not been reported in the literature in individuals affected with SPATA7-related conditions. In summary, the available evidence is currently insufficient to determine the role of this variant in disease. Therefore, it has been classified as a Variant of Uncertain Significance. Advanced modeling of protein sequence and biophysical properties (such as structural, functional, and spatial information, amino acid conservation, physicochemical variation, residue mobility, and thermodynamic stability) performed at Invitae indicates that this missense variant is not expected to disrupt SPATA7 protein function. ClinVar contains an entry for this variant (Variation ID: 1934802). This variant is present in population databases (rs761717545, gnomAD 0.002%). This sequence change replaces tyrosine, which is neutral and polar, with cysteine, which is neutral and slightly polar, at codon 16 of the SPATA7 protein (p.Tyr16Cys).